The following is an entry in ClinVar:

ClinVar aggregate classification (germline): Pathogenic. Review status: criteria provided, multiple submitters, no conflicts (2 of 4 stars). 2 submissions from 2 submitters: Pathogenic (2). Last evaluated 2023-05-08.

Conditions:
Familial adenomatous polyposis 1 (FAP1). Also called: POLYPOSIS, ADENOMATOUS INTESTINAL; FAMILIAL ADENOMATOUS POLYPOSIS 1, ATTENUATED. Identifiers: MedGen C2713442, MONDO:0021056, OMIM 175100. Disease mechanism: loss of function.

Submissions (2):

Myriad Genetics, Inc.
Classification: Pathogenic for Familial adenomatous polyposis 1. Last evaluated: 2023-05-08. Review status: criteria provided, single submitter. Criteria: Myriad Autosomal Dominant, Autosomal Recessive and X-Linked Classification Criteria (2023). Collection method: clinical testing. Allele origin: unknown.
Comment: This variant is considered pathogenic. This variant creates a frameshift predicted to result in premature protein truncation.

Baylor Genetics
Classification: Pathogenic for Familial adenomatous polyposis 1. Last evaluated: 2021-08-27. Review status: criteria provided, single submitter. Criteria: ACMG Guidelines, 2015. Collection method: clinical testing. Allele origin: unknown.

NM_000038.6(APC):c.3349del (p.Ser1117fs)

Gene: APC (APC regulator of Wnt signaling pathway; plus strand). Cytogenetic location: 5q22.2.
Variant type: Deletion.
Coding change: c.3349del on transcript NM_000038.6 (MANE Select); coding-DNA position 3349, one base deleted (T; older notation c.3349delT).
Protein change: p.Ser1117fs; shifts the reading frame from serine 1117.
Molecular consequence: frameshift variant. On other transcripts: non-coding transcript variant (2).
Genome position (GRCh38, 1-based): chr5:112,838,943, T deleted; the last of 2 consecutive T bases (chr5:112,838,942-112,838,943); deleting either gives the same sequence. VCF-style (leftmost placement, unchanged base first): chr5-112838941-GT-G. GRCh37 (hg19) VCF-style: chr5-112174638-GT-G.
Other names: c.2971del, p.Ser991fs (NM_001354904.2); c.2869del, p.Ser957fs (NM_001354905.2); c.3349del, p.Ser1117fs (NM_001127510.3, NM_001354895.2, NM_001407450.1); c.3295del, p.Ser1099fs (NM_001127511.3); c.3403del, p.Ser1135fs (NM_001354896.2, NM_001407447.1, NM_001407448.1 and 1 more transcripts); c.3379del, p.Ser1127fs (NM_001354897.2); c.3274del, p.Ser1092fs (NM_001354898.2); c.3265del, p.Ser1089fs (NM_001354899.2); and 11 more; short protein forms S1016fs, S1026fs, S1034fs, S1058fs, S1076fs, S1089fs, S1092fs, S1099fs.
Identifiers: ClinVar variation 2583221 (VCV002583221.3), dbSNP rs2533491654, ClinGen allele CA2582341510.